The following is an entry in ClinVar:

NM_001261826.3(AP3D1):c.2158A>G (p.Met720Val)

Gene: AP3D1 (adaptor related protein complex 3 subunit delta 1; minus strand). Cytogenetic location: 19p13.3.
Variant type: single nucleotide variant.
Coding change: c.2158A>G on transcript NM_001261826.3 (MANE Select); coding-DNA position 2158, A replaced by G.
Protein change: p.Met720Val; replaces methionine 720 with valine.
Molecular consequence: missense variant.
Genome position (GRCh38, 1-based): chr19:2,115,410, T>C on the plus strand (A>G on the coding strand, the complement: AP3D1 is on the minus strand). VCF-style: chr19-2115410-T-C. GRCh37 (hg19) VCF-style: chr19-2115409-T-C.
Other names: c.2158A>G (NM_001261826.1); c.2158A>G, p.Met720Val (NM_001374799.1, NM_003938.8); short protein forms M720V.
Identifiers: ClinVar variation 1446963 (VCV001446963.9), dbSNP rs532898504, ClinGen allele CA9058971.

ClinVar aggregate classification (germline): Uncertain significance. Review status: criteria provided, multiple submitters, no conflicts (2 of 4 stars). 2 submissions from 2 submitters: Uncertain significance (2). Last evaluated 2025-04-29.

Allele frequency attached by ClinVar (database versions not stated): TOPMed below 0.00001; gnomAD 0.00001 and 0.00005; gnomAD exomes 0.00004 and 0.00009; ExAC 0.00009; 1000 Genomes Project 30x 0.00016; 1000 Genomes Project 0.00020.
gnomAD v4.1: 64 of 1,607,048 alleles (0.004%); highest among the groups gnomAD compares: South Asian, 0.06%; 1 homozygote.

Submissions (2):

GeneDx
Classification: Uncertain significance. Last evaluated: 2025-04-29. Review status: criteria provided, single submitter. Criteria: GeneDx Variant Classification Process June 2021. Collection method: clinical testing. Allele origin: germline. Affected: yes.
Comment: In silico analysis indicates that this missense variant does not alter protein structure/function; Has not been previously published as pathogenic or benign to our knowledge; Variants in candidate genes are classified as variants of uncertain significance in accordance with ACMG guidelines (PMID: 25741868)

Labcorp Genetics (formerly Invitae), Labcorp
Classification: Uncertain significance. Last evaluated: 2024-10-09. Review status: criteria provided, single submitter. Criteria: Invitae Variant Classification Sherloc (09022015). Collection method: clinical testing. Allele origin: germline.
Comment: This sequence change replaces methionine, which is neutral and non-polar, with valine, which is neutral and non-polar, at codon 720 of the AP3D1 protein (p.Met720Val). This variant is present in population databases (rs532898504, gnomAD 0.07%). This variant has not been reported in the literature in individuals affected with AP3D1-related conditions. ClinVar contains an entry for this variant (Variation ID: 1446963). An algorithm developed to predict the effect of missense changes on protein structure and function outputs the following: PolyPhen-2: "Benign". The valine amino acid residue is found in multiple mammalian species, which suggests that this missense change does not adversely affect protein function. In summary, the available evidence is currently insufficient to determine the role of this variant in disease. Therefore, it has been classified as a Variant of Uncertain Significance.